The following is an entry in ClinVar:

ClinVar aggregate classification (germline): Uncertain significance. Review status: criteria provided, multiple submitters, no conflicts (2 of 4 stars). 2 submissions from 2 submitters: Uncertain significance (2). Last evaluated 2025-08-22.

Conditions:
Rahman syndrome. Also called: HIST1H1E Syndrome. Identifiers: Orphanet 642763, MedGen C4479637, MONDO:0044323, OMIM 617537.

gnomAD v4.1: 9 of 1,607,294 alleles (0.00056%); highest among the groups gnomAD compares: Non-Finnish European, 0.00076%; no homozygotes.

Submissions (2):

Ambry Genetics
Classification: Uncertain significance. Last evaluated: 2025-08-22. Review status: criteria provided, single submitter. Criteria: Ambry Variant Classification Scheme 2023. Collection method: clinical testing. Allele origin: germline.

Laboratorio de Genetica e Diagnostico Molecular, Hospital Israelita Albert Einstein
Classification: Uncertain significance for Rahman syndrome. Last evaluated: 2024-01-30. Review status: criteria provided, single submitter. Criteria: ACMG Guidelines, 2015. Collection method: clinical testing. Allele origin: germline. Affected: yes.
Comment: ACMG classification criteria: PM2 moderate, BP4 supporting

NM_005321.3(H1-4):c.463C>T (p.Pro155Ser)

Gene: H1-4 (H1.4 linker histone, cluster member; plus strand). Cytogenetic location: 6p22.2.
Variant type: single nucleotide variant.
Coding change: c.463C>T on transcript NM_005321.3 (MANE Select); coding-DNA position 463, C replaced by T.
Protein change: p.Pro155Ser; replaces proline 155 with serine.
Molecular consequence: missense variant.
Genome position (GRCh38, 1-based): chr6:26,156,853, C>T. VCF-style: chr6-26156853-C-T. GRCh37 (hg19) VCF-style: chr6-26157081-C-T.
Other names: c.463C>T (NM_005321.2); short protein forms P155S.
Identifiers: ClinVar variation 4056774 (VCV004056774.2).